The following is an entry in ClinVar:

ClinVar aggregate classification (germline): Likely benign (1 of 4 stars; one submission).

Submission:

GeneDx
Classification: Likely benign. Last evaluated: 2017-04-04. Review status: criteria provided, single submitter. Criteria: GeneDx Variant Classification (06012015). Collection method: clinical testing. Allele origin: germline. Affected: yes.
Comment: This variant is considered likely benign or benign based on one or more of the following criteria: it is a conservative change, it occurs at a poorly conserved position in the protein, it is predicted to be benign by multiple in silico algorithms, and/or has population frequency not consistent with disease.

NM_002506.3(NGF):c.672G>A (p.Arg224=)

Genes: NGF (nerve growth factor; minus strand), NGF-AS1 (NGF antisense RNA 1; plus strand). Cytogenetic location: 1p13.2.
Variant type: single nucleotide variant.
Coding change: c.672G>A on transcript NM_002506.3 (MANE Select); coding-DNA position 672, G replaced by A.
Protein change: p.Arg224=; no amino-acid change (arginine 224 retained).
Molecular consequence: synonymous variant.
Genome position (GRCh38, 1-based): chr1:115,286,124, C>T on the plus strand (G>A on the coding strand, the complement: NGF is on the minus strand). VCF-style: chr1-115286124-C-T. GRCh37 (hg19) VCF-style: chr1-115828745-C-T.
Identifiers: ClinVar variation 517841 (VCV000517841.1), dbSNP rs1553234714, ClinGen allele CA420185222.